The following is an entry in ClinVar:

NM_016169.4(SUFU):c.1103G>T (p.Ser368Ile)

Gene: SUFU (SUFU negative regulator of hedgehog signaling; plus strand). Cytogenetic location: 10q24.32.
Variant type: single nucleotide variant.
Coding change: c.1103G>T on transcript NM_016169.4 (MANE Select); coding-DNA position 1103, G replaced by T.
Protein change: p.Ser368Ile; replaces serine 368 with isoleucine.
Molecular consequence: missense variant.
Genome position (GRCh38, 1-based): chr10:102,615,348, G>T. VCF-style: chr10-102615348-G-T. GRCh37 (hg19) VCF-style: chr10-104375105-G-T.
Other names: c.1103G>T, p.Ser368Ile (NM_001178133.2); short protein forms S368I.
Identifiers: ClinVar variation 4865249 (VCV004865249.1).

ClinVar aggregate classification (germline): Uncertain significance (1 of 4 stars; one submission).

Conditions:
Hereditary cancer-predisposing syndrome. Also called: Neoplastic Syndromes, Hereditary; Tumor predisposition; Hereditary Cancer Syndrome; Hereditary neoplastic syndrome. Identifiers: Orphanet 140162, MedGen C0027672, MeSH D009386, MONDO:0015356.

Submission:

Ambry Genetics
Classification: Uncertain significance for Hereditary cancer-predisposing syndrome. Last evaluated: 2026-05-16. Review status: criteria provided, single submitter. Criteria: Ambry Variant Classification Scheme 2023. Collection method: clinical testing. Allele origin: germline.
Comment: The p.S368I variant (also known as c.1103G>T), located in coding exon 9 of the SUFU gene, results from a G to T substitution at nucleotide position 1103. The serine at codon 368 is replaced by isoleucine, an amino acid with dissimilar properties. This amino acid position is conserved. In addition, this alteration is predicted to be deleterious by in silico analysis. Based on the available evidence, the clinical significance of this variant remains unclear.